The following is an entry in ClinVar:

ClinVar aggregate classification (germline): Uncertain significance (1 of 4 stars; one submission).

Submission:

GeneDx
Classification: Uncertain significance. Last evaluated: 2024-04-01. Review status: criteria provided, single submitter. Criteria: GeneDx Variant Classification Process June 2021. Collection method: clinical testing. Allele origin: germline. Affected: yes.
Comment: Not observed at significant frequency in large population cohorts (gnomAD); In silico analysis supports that this missense variant has a deleterious effect on protein structure/function; Has not been previously published as pathogenic or benign to our knowledge

NM_002474.3(MYH11):c.5258A>G (p.Glu1753Gly)

Genes: MYH11 (myosin heavy chain 11; minus strand), NDE1 (nudE neurodevelopment protein 1; plus strand). Cytogenetic location: 16p13.11.
Variant type: single nucleotide variant.
Coding change: c.5258A>G on transcript NM_002474.3 (MANE Select); coding-DNA position 5258, A replaced by G.
Protein change: p.Glu1753Gly; replaces glutamic acid 1753 with glycine.
Molecular consequence: missense variant. On other transcripts: intron variant (2).
Genome position (GRCh38, 1-based): chr16:15,718,352, T>C on the plus strand (A>G on the coding strand, the complement: MYH11 is on the minus strand). VCF-style: chr16-15718352-T-C. GRCh37 (hg19) VCF-style: chr16-15812209-T-C.
Other names: c.5279A>G, p.Glu1760Gly (NM_001040113.2, NM_001040114.2); c.5258A>G, p.Glu1753Gly (NM_022844.3); c.948-5839T>C (NM_001143979.2, NM_017668.3); short protein forms E1753G, E1760G.
Identifiers: ClinVar variation 3371891 (VCV003371891.1).
Genomic context (GRCh38, chr16:15,718,352, plus strand): 5'-TGTGGTGTCCAGGCGGCCCTCACCTGCTGTGTGGCTTTGCGGACCCGGTCGCTCATGGCC[T>C]CCATGTTGCCCTGCTCCTCCTCCAGCTCCTCCTCCAGCTGGGCGATCCGGGCCTCCAGGC-3'
Protein context (NP_002465.1, residues 1743-1763): EELEEEQGNM[Glu1753Gly]AMSDRVRKAT